The following is an entry in ClinVar:

ClinVar aggregate classification (germline): Conflicting classifications of pathogenicity. Review status: criteria provided, conflicting classifications (1 of 4 stars). 2 submissions from 2 submitters: Uncertain significance (1); Likely benign (1). Last evaluated 2023-11-22.

Conditions:
Familial hypobetalipoproteinemia 1. Also called: APOB-Related Familial Hypobetalipoproteinemia; Hypobetalipoproteinemia, normotriglyceridemic; Acanthocytosis with hypobetalipoproteinemia. Identifiers: MedGen C4551990, MONDO:0014252, OMIM 615558.
Hypercholesterolemia, autosomal dominant, type B (FHCL2). Also called: Familial Hypercholesterolemia Type B; APOLIPOPROTEIN B-100, FAMILIAL DEFECTIVE; APOLIPOPROTEIN B-100, FAMILIAL LIGAND-DEFECTIVE; HYPERCHOLESTEROLEMIA, FAMILIAL, DUE TO LIGAND-DEFECTIVE APOLIPOPROTEIN B; Familial hypercholesterolemia 2; Hyperlipoproteinemia Type IIb. Identifiers: MedGen C1704417, MONDO:0007751, OMIM 144010.

Allele frequency attached by ClinVar (database versions not stated): gnomAD exomes 0.00001; ExAC 0.00002.
gnomAD v4.1: 5 of 1,614,126 alleles (0.00031%); highest among the groups gnomAD compares: South Asian, 0.0055%; no homozygotes.

Submissions (2):

Labcorp Genetics (formerly Invitae), Labcorp
Classification: Likely benign for Familial hypobetalipoproteinemia 1; Hypercholesterolemia, autosomal dominant, type B. Last evaluated: 2023-11-22. Review status: criteria provided, single submitter. Criteria: Invitae Variant Classification Sherloc (09022015). Collection method: clinical testing. Allele origin: germline.

Quest Diagnostics Nichols Institute San Juan Capistrano
Classification: Uncertain significance. Last evaluated: 2023-08-08. Review status: criteria provided, single submitter. Criteria: Quest Diagnostics criteria. Collection method: clinical testing. Allele origin: unknown.
Comment: In the published literature, this variant has been reported in affected individuals with familial hypercholesterolemia (PMID: 23775634 (2013)). The frequency of this variant in the general population, 0.000098 (3/30612 chromosomes (Genome Aggregation Database)), is uninformative in the assessment of its pathogenicity. Analysis of this variant using bioinformatics tools for the prediction of the effect of amino acid changes on protein structure and function yielded predictions that this variant is benign. Based on the available information, we are unable to determine the clinical significance of this variant.

Literature cited by the submitters: PubMed 23775634 (cited by Quest Diagnostics Nichols Institute San Juan Capistrano).

NM_000384.3(APOB):c.7454A>G (p.Gln2485Arg)

Gene: APOB (apolipoprotein B; minus strand). Cytogenetic location: 2p24.1.
Variant type: single nucleotide variant.
Coding change: c.7454A>G on transcript NM_000384.3 (MANE Select); coding-DNA position 7454, A replaced by G.
Protein change: p.Gln2485Arg; replaces glutamine 2485 with arginine.
Molecular consequence: missense variant.
Genome position (GRCh38, 1-based): chr2:21,009,414, T>C on the plus strand (A>G on the coding strand, the complement: APOB is on the minus strand). VCF-style: chr2-21009414-T-C. GRCh37 (hg19) VCF-style: chr2-21232286-T-C.
Other names: short protein forms Q2485R.
Identifiers: ClinVar variation 2681941 (VCV002681941.4), dbSNP rs779284353, ClinGen allele CA064430.